The following is an entry in ClinVar:

ClinVar aggregate classification (germline): Uncertain significance (1 of 4 stars; one submission).

Submission:

Labcorp Genetics (formerly Invitae), Labcorp
Classification: Uncertain significance. Last evaluated: 2025-09-10. Review status: criteria provided, single submitter. Criteria: Invitae Variant Classification Sherloc (09022015). Collection method: clinical testing. Allele origin: germline.
Comment: This sequence change replaces alanine, which is neutral and non-polar, with serine, which is neutral and polar, at codon 142 of the CTF1 protein (p.Ala142Ser). The frequency data for this variant in the population databases is considered unreliable, as metrics indicate insufficient coverage at this position in the gnomAD database. This variant has not been reported in the literature in individuals affected with CTF1-related conditions. An algorithm developed to predict the effect of missense changes on protein structure and function (PolyPhen-2) suggests that this variant is likely to be disruptive. In summary, the available evidence is currently insufficient to determine the role of this variant in disease. Therefore, it has been classified as a Variant of Uncertain Significance.

NM_001330.5(CTF1):c.424G>T (p.Ala142Ser)

Genes: CTF1 (cardiotrophin 1; plus strand), LOC130058878 (ATAC-STARR-seq lymphoblastoid silent region 7400; plus strand). Cytogenetic location: 16p11.2.
Variant type: single nucleotide variant.
Coding change: c.424G>T on transcript NM_001330.5 (MANE Select); coding-DNA position 424, G replaced by T.
Protein change: p.Ala142Ser; replaces alanine 142 with serine.
Molecular consequence: missense variant. On other transcripts: non-coding transcript variant (1).
Genome position (GRCh38, 1-based): chr16:30,902,357, G>T. VCF-style: chr16-30902357-G-T. GRCh37 (hg19) VCF-style: chr16-30913678-G-T.
Other names: c.421G>T, p.Ala141Ser (NM_001142544.3); short protein forms A142S, A141S.
Identifiers: ClinVar variation 4784516 (VCV004784516.1).